The following is an entry in ClinVar:

ClinVar aggregate classification (germline): Likely benign (0 of 4 stars; one submission).

Conditions:
HARS2-related disorder. Also called: HARS2-related condition.

Allele frequency attached by ClinVar (database versions not stated): gnomAD exomes below 0.00001.
gnomAD v4.1: 2 of 1,614,034 alleles (0.00012%); highest among the groups gnomAD compares: South Asian, 0.0022%; no homozygotes.

Submission:

PreventionGenetics, part of Exact Sciences
Classification: Likely benign for HARS2-related condition. Last evaluated: 2020-12-11. Review status: no assertion criteria provided. Collection method: clinical testing. Allele origin: germline.
Comment: This variant is classified as likely benign based on ACMG/AMP sequence variant interpretation guidelines (Richards et al. 2015 PMID: 25741868, with internal and published modifications).

NM_012208.4(HARS2):c.114A>G (p.Ala38=)

Gene: HARS2 (histidyl-tRNA synthetase 2, mitochondrial; plus strand). Cytogenetic location: 5q31.3.
Variant type: single nucleotide variant.
Coding change: c.114A>G on transcript NM_012208.4 (MANE Select); coding-DNA position 114, A replaced by G.
Protein change: p.Ala38=; no amino-acid change (alanine 38 retained).
Molecular consequence: synonymous variant. On other transcripts: 5 prime UTR variant (2), intron variant (1).
Genome position (GRCh38, 1-based): chr5:140,693,596, A>G. VCF-style: chr5-140693596-A-G. GRCh37 (hg19) VCF-style: chr5-140073181-A-G.
Other names: c.-97A>G (NM_001278732.2, NM_001363536.2); c.132A>G, p.Ala44= (NM_001363535.2); c.109-339A>G (NM_001278731.2).
Identifiers: ClinVar variation 3031260 (VCV003031260.2), dbSNP rs2481363838, ClinGen allele CA446622916.